The following is an entry in ClinVar:

ClinVar aggregate classification (germline): Uncertain significance. Review status: criteria provided, multiple submitters, no conflicts (2 of 4 stars). 2 submissions from 2 submitters: Uncertain significance (2). Last evaluated 2025-08-07.

Conditions:
Hereditary cancer-predisposing syndrome. Also called: Hereditary Cancer Syndrome; Hereditary neoplastic syndrome; Neoplastic Syndromes, Hereditary; Tumor predisposition. Identifiers: Orphanet 140162, MedGen C0027672, MeSH D009386, MONDO:0015356.
Familial adenomatous polyposis 1 (FAP1). Also called: FAMILIAL ADENOMATOUS POLYPOSIS 1, ATTENUATED; POLYPOSIS, ADENOMATOUS INTESTINAL. Identifiers: MedGen C2713442, MONDO:0021056, OMIM 175100. Disease mechanism: loss of function.

Submissions (2):

Labcorp Genetics (formerly Invitae), Labcorp
Classification: Uncertain significance for Familial adenomatous polyposis 1. Last evaluated: 2025-08-07. Review status: criteria provided, single submitter. Criteria: Invitae Variant Classification Sherloc (09022015). Collection method: clinical testing. Allele origin: germline.
Comment: This sequence change replaces asparagine, which is neutral and polar, with serine, which is neutral and polar, at codon 1290 of the APC protein (p.Asn1290Ser). This variant is not present in population databases (gnomAD no frequency). This variant has not been reported in the literature in individuals affected with APC-related conditions. ClinVar contains an entry for this variant (Variation ID: 2994103). Invitae Evidence Modeling of protein sequence and biophysical properties (such as structural, functional, and spatial information, amino acid conservation, physicochemical variation, residue mobility, and thermodynamic stability) indicates that this missense variant is not expected to disrupt APC protein function with a negative predictive value of 95%. In summary, the available evidence is currently insufficient to determine the role of this variant in disease. Therefore, it has been classified as a Variant of Uncertain Significance.

Ambry Genetics
Classification: Uncertain significance for Hereditary cancer-predisposing syndrome. Last evaluated: 2024-11-24. Review status: criteria provided, single submitter. Criteria: Ambry Variant Classification Scheme 2023. Collection method: clinical testing. Allele origin: germline.
Comment: The p.N1290S variant (also known as c.3869A>G), located in coding exon 15 of the APC gene, results from an A to G substitution at nucleotide position 3869. The asparagine at codon 1290 is replaced by serine, an amino acid with highly similar properties. This amino acid position is conserved. In addition, in silico predictors for this gene do not accurately predict pathogenicity. Based on the available evidence, the clinical significance of this variant remains unclear.

NM_000038.6(APC):c.3869A>G (p.Asn1290Ser)

Gene: APC (APC regulator of Wnt signaling pathway; plus strand). Cytogenetic location: 5q22.2.
Variant type: single nucleotide variant.
Coding change: c.3869A>G on transcript NM_000038.6 (MANE Select); coding-DNA position 3869, A replaced by G.
Protein change: p.Asn1290Ser; replaces asparagine 1290 with serine.
Molecular consequence: missense variant. On other transcripts: non-coding transcript variant (2).
Genome position (GRCh38, 1-based): chr5:112,839,463, A>G. VCF-style: chr5-112839463-A-G. GRCh37 (hg19) VCF-style: chr5-112175160-A-G.
Other names: c.3869A>G (NM_000038.5); c.3869A>G, p.Asn1290Ser (NM_001127510.3, NM_001354895.2, NM_001407450.1); c.3815A>G, p.Asn1272Ser (NM_001127511.3); c.3923A>G, p.Asn1308Ser (NM_001354896.2, NM_001407447.1, NM_001407448.1 and 1 more transcripts); c.3899A>G, p.Asn1300Ser (NM_001354897.2); c.3794A>G, p.Asn1265Ser (NM_001354898.2); c.3785A>G, p.Asn1262Ser (NM_001354899.2); c.3746A>G, p.Asn1249Ser (NM_001354900.2); and 12 more; short protein forms N1007S, N1207S, N1231S, N1265S, N1300S, N1318S, N1161S, N1164S.
Identifiers: ClinVar variation 2994103 (VCV002994103.4), dbSNP rs1554085358, ClinGen allele CA16029821.